The following is an entry in ClinVar:

NM_001033044.4(GLUL):c.316C>T (p.Arg106Ter)

Gene: GLUL (glutamate-ammonia ligase; minus strand). Cytogenetic location: 1q25.3.
Variant type: single nucleotide variant.
Coding change: c.316C>T on transcript NM_001033044.4 (MANE Select); coding-DNA position 316, C replaced by T.
Protein change: p.Arg106Ter; replaces arginine 106 with a stop codon.
Molecular consequence: nonsense.
Genome position (GRCh38, 1-based): chr1:182,387,143, G>A on the plus strand (C>T on the coding strand, the complement: GLUL is on the minus strand). VCF-style: chr1-182387143-G-A. GRCh37 (hg19) VCF-style: chr1-182356278-G-A.
Other names: c.316C>T, p.Arg106Ter (NM_001033056.4, NM_002065.7); short protein forms R106*.
Identifiers: ClinVar variation 2098099 (VCV002098099.4), dbSNP rs2525587095, ClinGen allele CA343628637.

ClinVar aggregate classification (germline): Uncertain significance (1 of 4 stars; one submission).

Conditions:
Congenital brain dysgenesis due to glutamine synthetase deficiency (GLND). Also called: GLUTAMINE SYNTHASE DEFICIENCY, CONGENITAL SYSTEMIC. Identifiers: Orphanet 71278, MedGen C1864910, MONDO:0012393, OMIM 610015.

Submission:

Labcorp Genetics (formerly Invitae), Labcorp
Classification: Uncertain significance for Congenital brain dysgenesis due to glutamine synthetase deficiency. Last evaluated: 2022-05-12. Review status: criteria provided, single submitter. Criteria: Invitae Variant Classification Sherloc (09022015). Collection method: clinical testing. Allele origin: germline.
Comment: This sequence change creates a premature translational stop signal (p.Arg106*) in the GLUL gene. It is expected to result in an absent or disrupted protein product. However, the current clinical and genetic evidence is not sufficient to establish whether loss-of-function variants in GLUL cause disease. This variant is not present in population databases (gnomAD no frequency). This premature translational stop signal has been observed in individual(s) with GLUL-related conditions (PMID: 33150193). Algorithms developed to predict the effect of sequence changes on RNA splicing suggest that this variant may create or strengthen a splice site. In summary, the available evidence is currently insufficient to determine the role of this variant in disease. Therefore, it has been classified as a Variant of Uncertain Significance.

Literature cited by the submitters: PubMed 33150193.